The following is an entry in ClinVar:

NM_001171.6(ABCC6):c.1600G>T (p.Val534Leu)

Gene: ABCC6 (ATP binding cassette subfamily C member 6; minus strand). Cytogenetic location: 16p13.11.
Variant type: single nucleotide variant.
Coding change: c.1600G>T on transcript NM_001171.6 (MANE Select); coding-DNA position 1600, G replaced by T.
Protein change: p.Val534Leu; replaces valine 534 with leucine.
Molecular consequence: missense variant. On other transcripts: non-coding transcript variant (1).
Genome position (GRCh38, 1-based): chr16:16,190,199, C>A on the plus strand (G>T on the coding strand, the complement: ABCC6 is on the minus strand). VCF-style: chr16-16190199-C-A. GRCh37 (hg19) VCF-style: chr16-16284056-C-A.
Other names: c.1258G>T, p.Val420Leu (NM_001351800.1); short protein forms V420L, V534L.
Identifiers: ClinVar variation 1913642 (VCV001913642.4), dbSNP rs199634124, ClinGen allele CA7926259.

ClinVar aggregate classification (germline): Uncertain significance. Review status: criteria provided, multiple submitters, no conflicts (2 of 4 stars). 3 submissions from 3 submitters: Uncertain significance (3). Last evaluated 2025-05-02.

Conditions:
ABCC6-related disorder. Also called: ABCC6-related condition.
Inborn genetic diseases. Identifiers: MedGen C0950123, MeSH D030342.

Allele frequency attached by ClinVar (database versions not stated): gnomAD 0.00001; ExAC 0.00002.
gnomAD v4.1: 20 of 1,613,942 alleles (0.0012%); highest among the groups gnomAD compares: Admixed American, 0.0017%; no homozygotes.

Submissions (3):

PreventionGenetics, part of Exact Sciences
Classification: Uncertain significance for ABCC6-related condition. Last evaluated: 2025-05-02. Review status: criteria provided, single submitter. Criteria: ACMG Guidelines, 2015. Collection method: clinical testing. Allele origin: germline.
Comment: The ABCC6 c.1600G>T variant is predicted to result in the amino acid substitution p.Val534Leu. To our knowledge, this variant has not been reported in the literature. This variant is reported in 0.0039% of alleles in individuals of European (Non-Finnish) descent in gnomAD. At this time, the clinical significance of this variant is uncertain due to the absence of conclusive functional and genetic evidence.

Ambry Genetics
Classification: Uncertain significance for Inborn genetic diseases. Last evaluated: 2022-11-10. Review status: criteria provided, single submitter. Criteria: Ambry Variant Classification Scheme 2023. Collection method: clinical testing. Allele origin: germline.

Labcorp Genetics (formerly Invitae), Labcorp
Classification: Uncertain significance. Last evaluated: 2022-09-01. Review status: criteria provided, single submitter. Criteria: Invitae Variant Classification Sherloc (09022015). Collection method: clinical testing. Allele origin: germline.
Comment: This sequence change replaces valine, which is neutral and non-polar, with leucine, which is neutral and non-polar, at codon 534 of the ABCC6 protein (p.Val534Leu). This variant is present in population databases (rs199634124, gnomAD 0.004%). This variant has not been reported in the literature in individuals affected with ABCC6-related conditions. Advanced modeling of protein sequence and biophysical properties (such as structural, functional, and spatial information, amino acid conservation, physicochemical variation, residue mobility, and thermodynamic stability) performed at Invitae indicates that this missense variant is not expected to disrupt ABCC6 protein function. In summary, the available evidence is currently insufficient to determine the role of this variant in disease. Therefore, it has been classified as a Variant of Uncertain Significance.